The following is an entry in ClinVar:

ClinVar aggregate classification (germline): Pathogenic (1 of 4 stars; one submission).

Conditions:
Congenital adrenal hyperplasia due to cytochrome P450 oxidoreductase deficiency. Also called: DISORDERED STEROIDOGENESIS DUE TO POR DEFICIENCY. Identifiers: Orphanet 95699, MedGen C1860042, MONDO:0013310, OMIM 613571.

Submission:

Labcorp Genetics (formerly Invitae), Labcorp
Classification: Pathogenic for Congenital adrenal hyperplasia due to cytochrome P450 oxidoreductase deficiency. Last evaluated: 2026-01-12. Review status: criteria provided, single submitter. Criteria: Invitae Variant Classification Sherloc (09022015). Collection method: clinical testing. Allele origin: germline.
Comment: This sequence change creates a premature translational stop signal (p.Glu617Alafs*35) in the POR gene. While this is not anticipated to result in nonsense mediated decay, it is expected to disrupt the last 64 amino acid(s) of the POR protein. This variant is present in population databases (no rsID available, gnomAD 0.006%). This variant has not been reported in the literature in individuals affected with POR-related conditions. This variant disrupts a region of the POR protein in which other variant(s) (p.His628Pro) have been determined to be pathogenic (PMID: 22162478). This suggests that this is a clinically significant region of the protein, and that variants that disrupt it are likely to be disease-causing. For these reasons, this variant has been classified as Pathogenic.

Literature cited by the submitters: PubMed 22162478.

NM_001395413.1(POR):c.1841_1842del (p.Glu614fs)

Gene: POR (cytochrome p450 oxidoreductase; plus strand). Cytogenetic location: 7q11.23.
Variant type: Microsatellite.
Coding change: c.1841_1842del on transcript NM_001395413.1 (MANE Select); coding-DNA positions 1841 to 1842, 2 bases deleted (AG; older notation c.1841_1842delAG).
Protein change: p.Glu614fs; shifts the reading frame from glutamic acid 614.
Molecular consequence: frameshift variant.
Genome position (GRCh38, 1-based): chr7:75,986,193-75,986,194, AG deleted; deleting any 2 consecutive bases within chr7:75,986,190-75,986,194 gives the same sequence; the c. name uses the placement nearest the transcript's 3' end. VCF-style (leftmost placement, unchanged base first): chr7-75986189-CGA-C. GRCh37 (hg19) VCF-style: chr7-75615507-CGA-C.
Other names: c.1841_1842del, p.Glu614fs (NM_001367562.3, NM_001382657.2, NM_001382658.3 and 1 more transcripts); c.1895_1896del, p.Glu632fs (NM_001382655.3); c.1691_1692del, p.Glu564fs (NM_001382662.3); short protein forms E564fs, E614fs, E632fs.
Identifiers: ClinVar variation 4811806 (VCV004811806.1).